The following is an entry in ClinVar:

NM_000660.7(TGFB1):c.328C>T (p.Arg110Cys)

Genes: TGFB1 (transforming growth factor beta 1; minus strand), LOC130064510 (ATAC-STARR-seq lymphoblastoid silent region 10661; plus strand). Cytogenetic location: 19q13.2.
Variant type: single nucleotide variant.
Coding change: c.328C>T on transcript NM_000660.7 (MANE Select); coding-DNA position 328, C replaced by T.
Protein change: p.Arg110Cys; replaces arginine 110 with cysteine.
Molecular consequence: missense variant.
Genome position (GRCh38, 1-based): chr19:41,352,717, G>A on the plus strand (C>T on the coding strand, the complement: TGFB1 is on the minus strand). VCF-style: chr19-41352717-G-A. GRCh37 (hg19) VCF-style: chr19-41858622-G-A.
Other names: short protein forms R110C.
Identifiers: ClinVar variation 488345 (VCV000488345.5), dbSNP rs1555755242, ClinGen allele CA406004892.

ClinVar aggregate classification (germline): Likely pathogenic. Review status: criteria provided, single submitter (1 of 4 stars). 3 submissions from 3 submitters: Likely pathogenic (1). 2 of the submissions do not count toward it. Last evaluated 2019-02-27.

Conditions:
Encephalopathy. Also called: Unspecified encephalopathy. Identifiers: MedGen C0085584, HP:0001298.
IL10-related early-onset inflammatory bowel disease. Also called: Immune dysregulation-inflammatory bowel disease-arthritis-recurrent infections syndrome; Autosomal recessive early-onset inflammatory bowel disease. Identifiers: Orphanet 238569, MedGen C4749850, MONDO:0016542.
Inflammatory bowel disease, immunodeficiency, and encephalopathy. Identifiers: Orphanet 565788, MedGen C4748708, MONDO:0032601, OMIM 618213.

Submissions (3):

SIB Swiss Institute of Bioinformatics
Classification: Likely pathogenic for Inflammatory bowel disease, immunodeficiency, and encephalopathy. Last evaluated: 2019-02-27. Review status: criteria provided, single submitter. Criteria: ACMG Guidelines, 2015. Collection method: curation. Allele origin: unknown.
Comment: This variant is interpreted as a Likely pathogenic for Inflammatory bowel disease, immunodeficiency, and encephalopathy, autosomal recessive. The following ACMG Tag(s) were applied: PM2: Absent from controls (or at extremely low frequency if recessive) in Exome Sequencing Project, 1000 Genomes Project, or Exome Aggregation Consortium. PP3 : Multiple lines of computational evidence support a deleterious effect on the gene or gene product. PS3-Moderate : PS3 downgraded in strength to Moderate (PMID:29483653). PM3 : For recessive disorders, detected in trans with a pathogenic variant (PMID:29483653).

OMIM
Classification: Pathogenic for INFLAMMATORY BOWEL DISEASE, IMMUNODEFICIENCY, AND ENCEPHALOPATHY. Last evaluated: 2018-12-04. Review status: no assertion criteria provided. Collection method: literature only. Allele origin: germline. Not counted in ClinVar's aggregate classification.

Klein lab, Ludwig-Maximilians-University
Classification: Pathogenic for IL10-related early-onset inflammatory bowel disease; Encephalopathy. Last evaluated: 2017-01-01. Review status: no assertion criteria provided. Collection method: research. Allele origin: germline. Inheritance: Autosomal recessive inheritance. Affected: yes. Observed: 1 variant allele, 1 compound heterozygote. Not counted in ClinVar's aggregate classification.
Comment: Variant is associated with primary immunodeficiency, inflammatory bowel disease and encephalopathy. Variant was found in compound heterozygosity with another variant in TGFB1 (c.1159T>C).

Literature cited by the submitters: PubMed 29483653 (cited by SIB Swiss Institute of Bioinformatics and OMIM).